The following is an entry in ClinVar:

NM_006258.4(PRKG1):c.1264C>T (p.Arg422Cys)

Gene: PRKG1 (protein kinase cGMP-dependent 1; plus strand). Cytogenetic location: 10q21.1.
Variant type: single nucleotide variant.
Coding change: c.1264C>T on transcript NM_006258.4 (MANE Select); coding-DNA position 1264, C replaced by T.
Protein change: p.Arg422Cys; replaces arginine 422 with cysteine.
Molecular consequence: missense variant.
Genome position (GRCh38, 1-based): chr10:52,271,440, C>T. VCF-style: chr10-52271440-C-T. GRCh37 (hg19) VCF-style: chr10-54031200-C-T.
Other names: c.1264C>T, p.Arg422Cys (LRG_1135t1); c.1219C>T, p.Arg407Cys (LRG_1135t2, NM_001098512.3); short protein forms R407C, R422C.
Identifiers: ClinVar variation 444214 (VCV000444214.52), dbSNP rs147351459, ClinGen allele CA5503799.
Genomic context (GRCh38, chr10:52,271,440, plus strand): 5'-TTTGCAATGAAGATTCTCAAGAAACGTCACATTGTGGACACAAGACAGCAGGAGCACATC[C>T]GCTCAGAGAAGCAGATCATGCAGGGGGCTCATTCCGATTTCATAGTGAGGTAAAGGCTCC-3'
Protein context (NP_006249.1, residues 412-432): IVDTRQQEHI[Arg422Cys]SEKQIMQGAH

ClinVar aggregate classification (germline): Uncertain significance. Review status: criteria provided, multiple submitters, no conflicts (2 of 4 stars). 4 submissions from 4 submitters: Uncertain significance (4). Last evaluated 2026-01-27.

Conditions:
Familial thoracic aortic aneurysm and aortic dissection (TAAD). Also called: Thoracic aortic aneurysms and dissections. Identifiers: Orphanet 91387, MedGen C4707243, MONDO:0019625.
Aortic aneurysm, familial thoracic 8 (AAT8). Identifiers: MedGen C3809513, MONDO:0014187, OMIM 615436.

Allele frequency attached by ClinVar (database versions not stated): ExAC 0.00003; gnomAD exomes 0.00003; gnomAD 0.00004; TOPMed 0.00005; ESP Exome Variant Server 0.00015.

Submissions (4):

Labcorp Genetics (formerly Invitae), Labcorp
Classification: Uncertain significance for Aortic aneurysm, familial thoracic 8. Last evaluated: 2026-01-27. Review status: criteria provided, single submitter. Criteria: Invitae Variant Classification Sherloc (09022015). Collection method: clinical testing. Allele origin: germline.
Comment: This sequence change replaces arginine, which is basic and polar, with cysteine, which is neutral and slightly polar, at codon 422 of the PRKG1 protein (p.Arg422Cys). This variant is present in population databases (rs147351459, gnomAD 0.007%). This variant has not been reported in the literature in individuals affected with PRKG1-related conditions. ClinVar contains an entry for this variant (Variation ID: 444214). An algorithm developed to predict the effect of missense changes on protein structure and function (PolyPhen-2) suggests that this variant is likely to be tolerated. In summary, the available evidence is currently insufficient to determine the role of this variant in disease. Therefore, it has been classified as a Variant of Uncertain Significance.

Ambry Genetics
Classification: Uncertain significance for Familial thoracic aortic aneurysm and aortic dissection. Last evaluated: 2024-02-06. Review status: criteria provided, single submitter. Criteria: Ambry Variant Classification Scheme 2023. Collection method: clinical testing. Allele origin: germline.
Comment: The p.R422C variant (also known as c.1264C>T), located in coding exon 11 of the PRKG1 gene, results from a C to T substitution at nucleotide position 1264. The arginine at codon 422 is replaced by cysteine, an amino acid with highly dissimilar properties. This amino acid position is conserved. In addition, the in silico prediction for this alteration is inconclusive. Based on the available evidence, the clinical significance of this alteration remains unclear.

GeneDx
Classification: Uncertain significance. Last evaluated: 2023-11-22. Review status: criteria provided, single submitter. Criteria: GeneDx Variant Classification Process June 2021. Collection method: clinical testing. Allele origin: germline. Affected: yes.
Comment: In silico analysis supports that this missense variant does not alter protein structure/function; Has not been previously published as pathogenic or benign to our knowledge

CeGaT Center for Human Genetics Tuebingen
Classification: Uncertain significance. Last evaluated: 2017-05-01. Review status: criteria provided, single submitter. Criteria: CeGaT Center For Human Genetics Tuebingen Variant Classification Criteria Version 2. Collection method: clinical testing. Allele origin: germline. Affected: yes. Observed: 1 variant allele.